The following is an entry in ClinVar:

NM_019066.5(MAGEL2):c.3722G>T (p.Gly1241Val)

Gene: MAGEL2 (MAGE family member L2; minus strand). Cytogenetic location: 15q11.2.
Variant type: single nucleotide variant.
Coding change: c.3722G>T on transcript NM_019066.5 (MANE Select); coding-DNA position 3722, G replaced by T.
Protein change: p.Gly1241Val; replaces glycine 1241 with valine.
Molecular consequence: missense variant.
Genome position (GRCh38, 1-based): chr15:23,644,021, C>A on the plus strand (G>T on the coding strand, the complement: MAGEL2 is on the minus strand). VCF-style: chr15-23644021-C-A. GRCh37 (hg19) VCF-style: chr15-23889168-C-A.
Other names: short protein forms G1241V.
Identifiers: ClinVar variation 5002185 (VCV005002185.1).
Genomic context (GRCh38, chr15:23,644,021, plus strand): 5'-GAAACACAGGAGCGAGATCTCTGCTACACCTATTAGCGGGGAGGGGGCCTGCTGGTGGGG[C>A]CGTGGGCACTGTCACCGGTGTCAGGTTCATCCTCATCTGTGTCTTCCCACTCACACTCTG-3'
Protein context (NP_061939.3, residues 1231-1249): DEPDTGDSAH[Gly1241Val]PTSRPPPR

ClinVar aggregate classification (germline): Uncertain significance (1 of 4 stars; one submission).

Conditions:
MAGEL2-related disorder. Also called: MAGEL2-related condition.

Submission:

PreventionGenetics, part of Exact Sciences
Classification: Uncertain significance for MAGEL2-related condition. Last evaluated: 2025-06-09. Review status: criteria provided, single submitter. Criteria: ACMG Guidelines, 2015. Collection method: clinical testing. Allele origin: germline.
Comment: The MAGEL2 c.3722G>T variant is predicted to result in the amino acid substitution p.Gly1241Val. To our knowledge, this variant has not been reported in the literature or in a large population database (gnomAD), indicating this variant is rare. This variant falls within a highly paralogous region. Allele frequency data should be interpreted with caution. At this time, the clinical significance of this variant is uncertain due to the absence of conclusive functional and genetic evidence.